The following is an entry in ClinVar:

ClinVar aggregate classification (germline): Pathogenic. Review status: criteria provided, multiple submitters, no conflicts (2 of 4 stars). 3 submissions from 3 submitters: Pathogenic (3). Last evaluated 2023-02-28.

Conditions:
Intellectual developmental disorder 62. Also called: INTELLECTUAL DEVELOPMENTAL DISORDER, AUTOSOMAL DOMINANT 62; MENTAL RETARDATION, AUTOSOMAL DOMINANT 62. Identifiers: MedGen C5394083, MONDO:0032919, OMIM 618793.

Submissions (3):

Tumer Group, Copenhagen University Hospital, Rigshospitalet
Classification: Pathogenic for Intellectual developmental disorder 62. Last evaluated: 2023-02-28. Review status: criteria provided, single submitter. Criteria: ACMG Guidelines, 2015. Collection method: research. Allele origin: de novo. Affected: yes.

Institute of Human Genetics, University of Leipzig Medical Center
Classification: Pathogenic for Intellectual developmental disorder 62. Last evaluated: 2021-12-21. Review status: criteria provided, single submitter. Criteria: ACMG Guidelines, 2015. Collection method: research. Allele origin: de novo. Affected: yes.

Division Of Personalized Genomic Medicine, Columbia University Irving Medical Center
Classification: Pathogenic for Intellectual developmental disorder 62. Last evaluated: 2020-06-11. Review status: criteria provided, single submitter. Criteria: ACMG Guidelines, 2015. Collection method: clinical testing. Allele origin: de novo. Inheritance: Autosomal dominant inheritance. Affected: yes. Observed: 1 heterozygote.
Comment: The c.234dupT variant is a heterozygous single base pair duplication at nucleotide c.234 in exon 5 of 20 of the DLG4 gene, resulting in the substitution of the glycine residue at amino acid position 79 to a tryptophan, and a reading frame shift causing premature termination of translation three amino acid residues downstream. This premature truncation is expected to cause nonsense mediated mRNA decay. This variant is absent from the Genome Aggregation Database (gnomAD), indicating it is not a common benign variant in the populations represented in this database. Heterozygous loss of function variants in DLG4 have been observed in multiple individuals with clinical features of Intellectual Developmental Disorder 62 (PMIDs: 27479843, 29460436). To the best of our knowledge this exact variant has not been reported in the literature or in ClinVar, however several nonsense and frameshift variants downstream of p.Gly79TrpfsTer3 have been reported in the literature and in ClinVar (Last accessed: 6/2/2020).

Literature cited by the submitters: PubMed 33597769 (cited by Institute of Human Genetics, University of Leipzig Medical Center); PubMed 27479843 (cited by Division Of Personalized Genomic Medicine, Columbia University Irving Medical Center); PubMed 29460436 (cited by Division Of Personalized Genomic Medicine, Columbia University Irving Medical Center).

NM_001321075.3(DLG4):c.243dup (p.Gly82fs)

Gene: DLG4 (discs large MAGUK scaffold protein 4; minus strand). Cytogenetic location: 17p13.1.
Variant type: Duplication.
Coding change: c.243dup on transcript NM_001321075.3 (MANE Select); coding-DNA position 243, one base duplicated (T; older notation c.243dupT).
Protein change: p.Gly82fs; shifts the reading frame from glycine 82.
Molecular consequence: frameshift variant. On other transcripts: non-coding transcript variant (1).
Genome position (GRCh38, 1-based): chr17:7,203,784, A duplicated on the plus strand (T on the coding strand, the reverse complement: DLG4 is on the minus strand). VCF-style (leftmost placement, unchanged base first): chr17-7203783-C-CA. GRCh37 (hg19) VCF-style: chr17-7107102-C-CA.
Other names: c.234dup, p.Gly79fs (NM_001128827.4); c.363dup, p.Gly122fs (NM_001321074.1); c.63dup, p.Gly22fs (NM_001321076.3, NM_001321077.3); c.372dup, p.Gly125Trpfs (NM_001365.5); c.162dup, p.Gly55fs (NM_001369566.3); c.234dupT (NM_001128827.3); short protein forms G122fs, G125fs, G22fs, G55fs, G79fs, G82fs.
Identifiers: ClinVar variation 1329881 (VCV001329881.4), dbSNP rs2142886600, ClinGen allele CA2573054562.